The following is an entry in ClinVar:

ClinVar aggregate classification (germline): Uncertain significance. Review status: criteria provided, multiple submitters, no conflicts (2 of 4 stars). 2 submissions from 2 submitters: Uncertain significance (2). Last evaluated 2023-05-15.

Allele frequency attached by ClinVar (database versions not stated): gnomAD exomes below 0.00001; gnomAD 0.00001; TOPMed 0.00001.
gnomAD v4.1: 2 of 1,613,138 alleles (0.00012%); highest among the groups gnomAD compares: Admixed American, 0.0033%; no homozygotes.

Submissions (2):

Labcorp Genetics (formerly Invitae), Labcorp
Classification: Uncertain significance. Last evaluated: 2023-05-15. Review status: criteria provided, single submitter. Criteria: Invitae Variant Classification Sherloc (09022015). Collection method: clinical testing. Allele origin: germline.
Comment: This variant is not present in population databases (gnomAD no frequency). This sequence change replaces proline, which is neutral and non-polar, with serine, which is neutral and polar, at codon 353 of the A2ML1 protein (p.Pro353Ser). In summary, the available evidence is currently insufficient to determine the role of this variant in disease. Therefore, it has been classified as a Variant of Uncertain Significance. An algorithm developed to predict the effect of missense changes on protein structure and function (PolyPhen-2) suggests that this variant is likely to be disruptive. ClinVar contains an entry for this variant (Variation ID: 2199510). This variant has not been reported in the literature in individuals affected with A2ML1-related conditions.

Ambry Genetics
Classification: Uncertain significance. Last evaluated: 2023-02-16. Review status: criteria provided, single submitter. Criteria: Ambry Variant Classification Scheme 2023. Collection method: clinical testing. Allele origin: germline.

NM_144670.6(A2ML1):c.1057C>T (p.Pro353Ser)

Gene: A2ML1 (alpha-2-macroglobulin like 1; plus strand). Cytogenetic location: 12p13.31.
Variant type: single nucleotide variant.
Coding change: c.1057C>T on transcript NM_144670.6 (MANE Select); coding-DNA position 1057, C replaced by T.
Protein change: p.Pro353Ser; replaces proline 353 with serine.
Molecular consequence: missense variant.
Genome position (GRCh38, 1-based): chr12:8,839,199, C>T. VCF-style: chr12-8839199-C-T. GRCh37 (hg19) VCF-style: chr12-8991795-C-T.
Other names: c.1057C>T (NM_144670.3); short protein forms P353S.
Identifiers: ClinVar variation 2199510 (VCV002199510.6), dbSNP rs1943386349, ClinGen allele CA383823766.